The following is an entry in ClinVar:

ClinVar aggregate classification (germline): Likely benign. Review status: criteria provided, multiple submitters, no conflicts (2 of 4 stars). 7 submissions from 7 submitters: Likely benign (7). Last evaluated 2026-09-11.

Conditions:
SMC3-related disorder. Also called: SMC3-related condition.
Inborn genetic diseases. Identifiers: MedGen C0950123, MeSH D030342.
Cornelia de Lange syndrome 3 (CDLS3). Also called: SMC3-Related Cornelia de Lange Syndrome; CORNELIA DE LANGE SYNDROME 3 WITH OR WITHOUT MIDLINE BRAIN DEFECTS. Identifiers: Orphanet 199, MedGen C1853099, MONDO:0012555, OMIM 610759.

Allele frequency attached by ClinVar (database versions not stated): ExAC 0.00020; gnomAD exomes 0.00020 and 0.00082; TOPMed 0.00029; gnomAD 0.00030 and 0.00032; ESP Exome Variant Server 0.00046.
gnomAD v4.1: 1,211 of 1,613,900 alleles (0.075%); highest among the groups gnomAD compares: Non-Finnish European, 0.1%; 1 homozygote.

Submissions (7):

PreventionGenetics, part of Exact Sciences
Classification: Likely benign for SMC3-related condition. Last evaluated: 2026-09-11. Review status: criteria provided, single submitter. Criteria: ACMG Guidelines, 2015. Collection method: clinical testing. Allele origin: germline.
Comment: This variant is classified as likely benign based on ACMG/AMP sequence variant interpretation guidelines (Richards et al. 2015 PMID: 25741868, with internal and published modifications).

Labcorp Genetics (formerly Invitae), Labcorp
Classification: Likely benign for Cornelia de Lange syndrome 3. Last evaluated: 2025-09-02. Review status: criteria provided, single submitter. Criteria: Invitae Variant Classification Sherloc (09022015). Collection method: clinical testing. Allele origin: germline.

Laboratory of Genetics, Children's Clinical University Hospital Latvia
Classification: Likely benign. Last evaluated: 2025-02-16. Review status: criteria provided, single submitter. Criteria: ACMG Guidelines, 2015. Collection method: clinical testing. Allele origin: germline. Affected: yes.

Blueprint Genetics
Classification: Likely benign. Last evaluated: 2024-07-19. Review status: criteria provided, single submitter. Criteria: ACMG Guidelines, 2015. Collection method: clinical testing. Allele origin: germline.

Ambry Genetics
Classification: Likely benign for Inborn genetic diseases. Last evaluated: 2021-09-30. Review status: criteria provided, single submitter. Criteria: Ambry Variant Classification Scheme 2023. Collection method: clinical testing. Allele origin: germline.

CeGaT Center for Human Genetics Tuebingen
Classification: Likely benign. Last evaluated: 2021-09-01. Review status: criteria provided, single submitter. Criteria: CeGaT Center For Human Genetics Tuebingen Variant Classification Criteria Version 2. Collection method: clinical testing. Allele origin: germline. Affected: yes. Observed: 1 variant allele.

Illumina Laboratory Services, Illumina
Classification: Likely benign for Cornelia de Lange syndrome 3. Last evaluated: 2018-01-13. Review status: criteria provided, single submitter. Criteria: ICSL Variant Classification Criteria 13 December 2019. Collection method: clinical testing. Allele origin: germline.
Comment: This variant was observed in the ICSL laboratory as part of a predisposition screen in an ostensibly healthy population. It had not been previously curated by ICSL or reported in the Human Gene Mutation Database (HGMD: prior to June 1st, 2018), and was therefore a candidate for classification through an automated scoring system. Utilizing variant allele frequency, disease prevalence and penetrance estimates, and inheritance mode, an automated score was calculated to assess if this variant is too frequent to cause the disease. Based on the score and internal cut-off values, a variant classified as likely benign is not then subjected to further curation. The score for this variant resulted in a classification of likely benign for this disease.

NM_005445.4(SMC3):c.3259G>A (p.Val1087Ile)

Gene: SMC3 (structural maintenance of chromosomes 3; plus strand). Cytogenetic location: 10q25.2.
Variant type: single nucleotide variant.
Coding change: c.3259G>A on transcript NM_005445.4 (MANE Select); coding-DNA position 3259, G replaced by A.
Protein change: p.Val1087Ile; replaces valine 1087 with isoleucine.
Molecular consequence: missense variant.
Genome position (GRCh38, 1-based): chr10:110,602,627, G>A. VCF-style: chr10-110602627-G-A. GRCh37 (hg19) VCF-style: chr10-112362385-G-A.
Other names: short protein forms V1087I.
Identifiers: ClinVar variation 298777 (VCV000298777.53), dbSNP rs147743879, ClinGen allele CA5688380.